The following is an entry in ClinVar:

ClinVar aggregate classification (germline): Uncertain significance (1 of 4 stars; one submission).

Conditions:
Diamond-Blackfan anemia. Also called: Blackfan Diamond syndrome; Aregenerative anemia chronic congenital; Red cell aplasia, pure hereditary; Congenital hypoplastic anemia; Aase syndrome. Identifiers: Orphanet 124, MedGen C1260899, MeSH D029503, MONDO:0015253, HP:0004810.
GATA binding protein 1 related thrombocytopenia with dyserythropoiesis. Also called: GATA1-Related X-Linked Cytopenia; GATA1-Related Cytopenia. Identifiers: MedGen C1845837, MONDO:0100089.

Submission:

Labcorp Genetics (formerly Invitae), Labcorp
Classification: Uncertain significance for GATA binding protein 1 related thrombocytopenia with dyserythropoiesis; Diamond-Blackfan anemia. Last evaluated: 2024-02-24. Review status: criteria provided, single submitter. Criteria: Invitae Variant Classification Sherloc (09022015). Collection method: clinical testing. Allele origin: germline.
Comment: This sequence change replaces alanine, which is neutral and non-polar, with aspartic acid, which is acidic and polar, at codon 331 of the GATA1 protein (p.Ala331Asp). This variant is not present in population databases (gnomAD no frequency). This variant has not been reported in the literature in individuals affected with GATA1-related conditions. ClinVar contains an entry for this variant (Variation ID: 2096060). Advanced modeling of protein sequence and biophysical properties (such as structural, functional, and spatial information, amino acid conservation, physicochemical variation, residue mobility, and thermodynamic stability) performed at Invitae indicates that this missense variant is not expected to disrupt GATA1 protein function with a negative predictive value of 80%. In summary, the available evidence is currently insufficient to determine the role of this variant in disease. Therefore, it has been classified as a Variant of Uncertain Significance.

NM_002049.4(GATA1):c.992C>A (p.Ala331Asp)

Gene: GATA1 (GATA binding protein 1; plus strand). Cytogenetic location: Xp11.23.
Variant type: single nucleotide variant.
Coding change: c.992C>A on transcript NM_002049.4 (MANE Select); coding-DNA position 992, C replaced by A.
Protein change: p.Ala331Asp; replaces alanine 331 with aspartic acid.
Molecular consequence: missense variant.
Genome position (GRCh38, 1-based): chrX:48,793,914, C>A. VCF-style: chrX-48793914-C-A. GRCh37 (hg19) VCF-style: chrX-48652321-C-A.
Other names: short protein forms A331D.
Identifiers: ClinVar variation 2096060 (VCV002096060.4), dbSNP rs2519346572, ClinGen allele CA412871716.